The following is an entry in ClinVar:

ClinVar aggregate classification (germline): Pathogenic (1 of 4 stars; one submission).

Conditions:
Inborn genetic diseases. Identifiers: MedGen C0950123, MeSH D030342.

Submission:

Ambry Genetics
Classification: Pathogenic for Inborn genetic diseases. Last evaluated: 2023-02-01. Review status: criteria provided, single submitter. Criteria: Ambry Variant Classification Scheme 2023. Collection method: clinical testing. Allele origin: germline.
Comment: The c.241-5_255del20 variant results from a deletion of 20 nucleotides between positions c.241-5 and c.255 and involves the canonical splice acceptor site before exon 4 (coding exon 3) of the PHF6 gene. Alterations that disrupt the canonical splice site are expected to cause aberrant splicing, resulting in an abnormal protein or a transcript that is subject to nonsense-mediated mRNA decay. This variant was not reported in population-based cohorts in the Genome Aggregation Database (gnomAD). The canonical splice acceptor site c.241-1 and c.241-2 nucleotide positions are highly conserved in available vertebrate species. In silico splice site analysis predicts that this alteration will weaken the native splice acceptor site. Based on the available evidence, this alteration is classified as pathogenic.

NM_001015877.2(PHF6):c.241-5_255del

Gene: PHF6 (PHD finger protein 6; plus strand). Cytogenetic location: Xq26.2.
Variant type: Deletion.
Coding change: c.241-5_255del on transcript NM_001015877.2 (MANE Select); 5 bases into the intron before coding-DNA position 241 through coding-DNA position 255, 20 bases deleted (TGTAGATGTGTTCTTTGTGC).
Molecular consequence: splice acceptor variant.
Genome position (GRCh38, 1-based): chrX:134,393,496-134,393,515, TGTAGATGTGTTCTTTGTGC deleted; deleting any 20 consecutive bases within chrX:134,393,493-134,393,515 gives the same sequence; the c. name uses the placement nearest the transcript's 3' end. VCF-style (leftmost placement, unchanged base first): chrX-134393492-TTGCTGTAGATGTGTTCTTTG-T. GRCh37 (hg19) VCF-style: chrX-133527522-TTGCTGTAGATGTGTTCTTTG-T.
Other names: c.241-5_255del (NM_032458.3, NM_032335.3).
Identifiers: ClinVar variation 2474433 (VCV002474433.2), dbSNP rs2520540555, ClinGen allele CA2580101545.